The following is an entry in ClinVar:

ClinVar aggregate classification (germline): Uncertain significance. Review status: criteria provided, multiple submitters, no conflicts (2 of 4 stars). 2 submissions from 2 submitters: Uncertain significance (2). Last evaluated 2025-01-31.

Conditions:
Familial adenomatous polyposis 1 (FAP1). Also called: POLYPOSIS, ADENOMATOUS INTESTINAL; FAMILIAL ADENOMATOUS POLYPOSIS 1, ATTENUATED. Identifiers: MedGen C2713442, MONDO:0021056, OMIM 175100. Disease mechanism: loss of function.
Hereditary cancer-predisposing syndrome. Also called: Neoplastic Syndromes, Hereditary; Tumor predisposition; Hereditary neoplastic syndrome; Hereditary Cancer Syndrome. Identifiers: Orphanet 140162, MedGen C0027672, MeSH D009386, MONDO:0015356.

Submissions (2):

Ambry Genetics
Classification: Uncertain significance for Hereditary cancer-predisposing syndrome. Last evaluated: 2025-01-31. Review status: criteria provided, single submitter. Criteria: Ambry Variant Classification Scheme 2023. Collection method: clinical testing. Allele origin: germline.
Comment: The p.D1948E variant (also known as c.5844T>A), located in coding exon 15 of the APC gene, results from a T to A substitution at nucleotide position 5844. The aspartic acid at codon 1948 is replaced by glutamic acid, an amino acid with highly similar properties. This amino acid position is conserved. In addition, in silico predictors for this gene do not accurately predict pathogenicity. Since supporting evidence is limited at this time, the clinical significance of this alteration remains unclear.

Labcorp Genetics (formerly Invitae), Labcorp
Classification: Uncertain significance for Familial adenomatous polyposis 1. Last evaluated: 2024-03-27. Review status: criteria provided, single submitter. Criteria: Invitae Variant Classification Sherloc (09022015). Collection method: clinical testing. Allele origin: germline.
Comment: This sequence change replaces aspartic acid, which is acidic and polar, with glutamic acid, which is acidic and polar, at codon 1948 of the APC protein (p.Asp1948Glu). This variant is not present in population databases (gnomAD no frequency). This variant has not been reported in the literature in individuals affected with APC-related conditions. ClinVar contains an entry for this variant (Variation ID: 2452715). Advanced modeling of protein sequence and biophysical properties (such as structural, functional, and spatial information, amino acid conservation, physicochemical variation, residue mobility, and thermodynamic stability) performed at Invitae indicates that this missense variant is not expected to disrupt APC protein function with a negative predictive value of 95%. In summary, the available evidence is currently insufficient to determine the role of this variant in disease. Therefore, it has been classified as a Variant of Uncertain Significance.

NM_000038.6(APC):c.5844T>A (p.Asp1948Glu)

Gene: APC (APC regulator of Wnt signaling pathway; plus strand). Cytogenetic location: 5q22.2.
Variant type: single nucleotide variant.
Coding change: c.5844T>A on transcript NM_000038.6 (MANE Select); coding-DNA position 5844, T replaced by A.
Protein change: p.Asp1948Glu; replaces aspartic acid 1948 with glutamic acid.
Molecular consequence: missense variant. On other transcripts: non-coding transcript variant (2).
Genome position (GRCh38, 1-based): chr5:112,841,438, T>A. VCF-style: chr5-112841438-T-A. GRCh37 (hg19) VCF-style: chr5-112177135-T-A.
Other names: c.5844T>A, p.Asp1948Glu (NM_001127510.3, NM_001354895.2, NM_001407450.1); c.5790T>A, p.Asp1930Glu (NM_001127511.3); c.5898T>A, p.Asp1966Glu (NM_001354896.2, NM_001407447.1, NM_001407448.1 and 1 more transcripts); c.5874T>A, p.Asp1958Glu (NM_001354897.2); c.5769T>A, p.Asp1923Glu (NM_001354898.2); c.5760T>A, p.Asp1920Glu (NM_001354899.2); c.5721T>A, p.Asp1907Glu (NM_001354900.2); c.5667T>A, p.Asp1889Glu (NM_001354901.2, NM_001407453.1); and 11 more; short protein forms D1665E, D1857E, D1907E, D1938E, D1958E, D1564E, D1788E, D1822E.
Identifiers: ClinVar variation 2452715 (VCV002452715.5), dbSNP rs1766064051, ClinGen allele CA16034112.
Genomic context (GRCh38, chr5:112,841,438, plus strand): 5'-GAAACAATCCACTTTTCCCCAGTCATCCAAAGACATACCAGACAGAGGGGCAGCAACTGA[T>A]GAAAAGTTACAGAATTTTGCTATTGAAAATACTCCGGTTTGCTTTTCTCATAATTCCTCT-3'
Protein context (NP_000029.2, residues 1938-1958): KDIPDRGAAT[Asp1948Glu]EKLQNFAIEN